The following is an entry in ClinVar:

ClinVar aggregate classification (germline): Likely benign. Review status: criteria provided, single submitter (1 of 4 stars). 2 submissions from 2 submitters: Likely benign (1). 1 of the submissions does not count toward it. Last evaluated 2026-01-07.

Conditions:
MFSD2A-related disorder. Also called: MFSD2A-related condition.

Allele frequency attached by ClinVar (database versions not stated): gnomAD exomes 0.00004 and 0.00008; ExAC 0.00012; TOPMed 0.00028; gnomAD 0.00034 and 0.00036; ESP Exome Variant Server 0.00069; 1000 Genomes Project 30x 0.00078; 1000 Genomes Project 0.00080.
gnomAD v4.1: 130 of 1,613,080 alleles (0.0081%); highest among the groups gnomAD compares: African/African-American, 0.12%; no homozygotes.

Submissions (2):

Labcorp Genetics (formerly Invitae), Labcorp
Classification: Likely benign. Last evaluated: 2026-01-07. Review status: criteria provided, single submitter. Criteria: Invitae Variant Classification Sherloc (09022015). Collection method: clinical testing. Allele origin: germline.

PreventionGenetics, part of Exact Sciences
Classification: Likely benign for MFSD2A-related condition. Last evaluated: 2020-11-10. Review status: no assertion criteria provided. Collection method: clinical testing. Allele origin: germline. Not counted in ClinVar's aggregate classification.
Comment: This variant is classified as likely benign based on ACMG/AMP sequence variant interpretation guidelines (Richards et al. 2015 PMID: 25741868, with internal and published modifications).

NM_032793.5(MFSD2A):c.177G>A (p.Thr59=)

Gene: MFSD2A (MFSD2 lysolipid transporter A, lysophospholipid; plus strand). Cytogenetic location: 1p34.2.
Variant type: single nucleotide variant.
Coding change: c.177G>A on transcript NM_032793.5 (MANE Select); coding-DNA position 177, G replaced by A.
Protein change: p.Thr59=; no amino-acid change (threonine 59 retained).
Molecular consequence: synonymous variant. On other transcripts: 5 prime UTR variant (1), non-coding transcript variant (1), intron variant (2).
Genome position (GRCh38, 1-based): chr1:39,957,170, G>A. VCF-style: chr1-39957170-G-A. GRCh37 (hg19) VCF-style: chr1-40422842-G-A.
Other names: c.177G>A, p.Thr59= (NM_001136493.3, NM_001349822.2); c.171G>A, p.Thr57= (NM_001349821.2); c.-169G>A (NM_001349823.2); c.94-28G>A (NM_001287809.2); c.-116+1785G>A (NM_001287808.2).
Identifiers: ClinVar variation 773144 (VCV000773144.11), dbSNP rs114073258, ClinGen allele CA788558.